The following is an entry in ClinVar:

ClinVar aggregate classification (germline): Uncertain significance (1 of 4 stars; one submission).

Allele frequency attached by ClinVar (database versions not stated): ExAC 0.00004; ESP Exome Variant Server 0.00008; gnomAD 0.00008; gnomAD exomes 0.00008; TOPMed 0.00017.
gnomAD v4.1: 150 of 1,613,760 alleles (0.0093%); highest among the groups gnomAD compares: South Asian, 0.012%; 1 homozygote.

Submission:

Labcorp Genetics (formerly Invitae), Labcorp
Classification: Uncertain significance. Last evaluated: 2026-01-04. Review status: criteria provided, single submitter. Criteria: Invitae Variant Classification Sherloc (09022015). Collection method: clinical testing. Allele origin: germline.
Comment: This sequence change replaces glutamic acid, which is acidic and polar, with lysine, which is basic and polar, at codon 1486 of the DSCAML1 protein (p.Glu1486Lys). This variant is present in population databases (rs140883925, gnomAD 0.02%). This variant has not been reported in the literature in individuals affected with DSCAML1-related conditions. ClinVar contains an entry for this variant (Variation ID: 1907458). An algorithm developed to predict the effect of missense changes on protein structure and function (PolyPhen-2) suggests that this variant is likely to be disruptive. In summary, the available evidence is currently insufficient to determine the role of this variant in disease. Therefore, it has been classified as a Variant of Uncertain Significance.

NM_020693.4(DSCAML1):c.4276G>A (p.Glu1426Lys)

Gene: DSCAML1 (DS cell adhesion molecule like 1; minus strand). Cytogenetic location: 11q23.3.
Variant type: single nucleotide variant.
Coding change: c.4276G>A on transcript NM_020693.4 (MANE Select); coding-DNA position 4276, G replaced by A.
Protein change: p.Glu1426Lys; replaces glutamic acid 1426 with lysine.
Molecular consequence: missense variant.
Genome position (GRCh38, 1-based): chr11:117,438,051, C>T on the plus strand (G>A on the coding strand, the complement: DSCAML1 is on the minus strand). VCF-style: chr11-117438051-C-T. GRCh37 (hg19) VCF-style: chr11-117308767-C-T.
Other names: short protein forms E1426K.
Identifiers: ClinVar variation 1907458 (VCV001907458.5), dbSNP rs140883925, ClinGen allele CA6296415.